The following is an entry in ClinVar:

NM_001089.3(ABCA3):c.2527G>C (p.Val843Leu)

Gene: ABCA3 (ATP binding cassette subfamily A member 3; minus strand). Cytogenetic location: 16p13.3.
Variant type: single nucleotide variant.
Coding change: c.2527G>C on transcript NM_001089.3 (MANE Select); coding-DNA position 2527, G replaced by C.
Protein change: p.Val843Leu; replaces valine 843 with leucine.
Molecular consequence: missense variant.
Genome position (GRCh38, 1-based): chr16:2,289,607, C>G on the plus strand (G>C on the coding strand, the complement: ABCA3 is on the minus strand). VCF-style: chr16-2289607-C-G. GRCh37 (hg19) VCF-style: chr16-2339608-C-G.
Other names: short protein forms V843L.
Identifiers: ClinVar variation 1792607 (VCV001792607.8), dbSNP rs373224846, ClinGen allele CA7840781.

ClinVar aggregate classification (germline): Conflicting classifications of pathogenicity. Review status: criteria provided, conflicting classifications (1 of 4 stars). 3 submissions from 3 submitters: Uncertain significance (1); Likely benign (1). 1 of the submissions does not count toward it. Last evaluated 2026-02-03.

Conditions:
ABCA3-related disorder. Also called: ABCA3-related condition.
Hereditary pulmonary alveolar proteinosis. Also called: Pulmonary surfactant metabolism dysfunction. Identifiers: Orphanet 264675, MedGen C3711368, MONDO:0012580.

Allele frequency attached by ClinVar (database versions not stated): ESP Exome Variant Server 0.00047; 1000 Genomes Project 0.00060; ExAC 0.00025; 1000 Genomes Project 30x 0.00078.
gnomAD v4.1: 131 of 1,551,426 alleles (0.0084%); highest among the groups gnomAD compares: African/African-American, 0.16%; no homozygotes.

Submissions (3):

Ambry Genetics
Classification: Likely benign for Hereditary pulmonary alveolar proteinosis. Last evaluated: 2026-02-03. Review status: criteria provided, single submitter. Criteria: Ambry Variant Classification Scheme 2023. Collection method: clinical testing. Allele origin: germline.

GeneDx
Classification: Uncertain significance. Last evaluated: 2025-12-18. Review status: criteria provided, single submitter. Criteria: GeneDx Variant Classification Process June 2021. Collection method: clinical testing. Allele origin: germline.
Comment: In silico analysis suggests that this missense variant does not alter protein structure/function; Has not been previously published as pathogenic or benign to our knowledge

PreventionGenetics, part of Exact Sciences
Classification: Likely benign for ABCA3-related condition. Last evaluated: 2023-04-25. Review status: no assertion criteria provided. Collection method: clinical testing. Allele origin: germline. Not counted in ClinVar's aggregate classification.
Comment: This variant is classified as likely benign based on ACMG/AMP sequence variant interpretation guidelines (Richards et al. 2015 PMID: 25741868, with internal and published modifications).